The following is an entry in ClinVar:

NM_020937.4(FANCM):c.4996A>G (p.Arg1666Gly)

Gene: FANCM (FA complementation group M; plus strand). Cytogenetic location: 14q21.2.
Variant type: single nucleotide variant.
Coding change: c.4996A>G on transcript NM_020937.4 (MANE Select); coding-DNA position 4996, A replaced by G.
Protein change: p.Arg1666Gly; replaces arginine 1666 with glycine.
Molecular consequence: missense variant.
Genome position (GRCh38, 1-based): chr14:45,189,018, A>G. VCF-style: chr14-45189018-A-G. GRCh37 (hg19) VCF-style: chr14-45658221-A-G.
Other names: c.4918A>G, p.Arg1640Gly (NM_001308133.2); short protein forms R1640G, R1666G.
Identifiers: ClinVar variation 3512976 (VCV003512976.1).

ClinVar aggregate classification (germline): Uncertain significance (1 of 4 stars; one submission).

Conditions:
Inborn genetic diseases. Identifiers: MedGen C0950123, MeSH D030342.

gnomAD v4.1: 4 of 1,613,996 alleles (0.00025%); highest among the groups gnomAD compares: Non-Finnish European, 0.00034%; no homozygotes.

Submission:

Ambry Genetics
Classification: Uncertain significance for Inborn genetic diseases. Last evaluated: 2024-12-06. Review status: criteria provided, single submitter. Criteria: Ambry Variant Classification Scheme 2023. Collection method: clinical testing. Allele origin: germline.
Comment: The p.R1666G variant (also known as c.4996A>G), located in coding exon 20 of the FANCM gene, results from an A to G substitution at nucleotide position 4996. The arginine at codon 1666 is replaced by glycine, an amino acid with dissimilar properties. This amino acid position is conserved. In addition, this alteration is predicted to be tolerated by in silico analysis. Based on the available evidence, the clinical significance of this variant remains unclear.